The following is an entry in ClinVar:

NM_001386298.1(CIC):c.3216T>C (p.Pro1072=)

Gene: CIC (capicua transcriptional repressor; plus strand). Cytogenetic location: 19q13.2.
Variant type: single nucleotide variant.
Coding change: c.3216T>C on transcript NM_001386298.1 (MANE Select); coding-DNA position 3216, T replaced by C.
Protein change: p.Pro1072=; no amino-acid change (proline 1072 retained).
Molecular consequence: synonymous variant.
Genome position (GRCh38, 1-based): chr19:42,287,356, T>C. VCF-style: chr19-42287356-T-C. GRCh37 (hg19) VCF-style: chr19-42791508-T-C.
Other names: c.3216T>C, p.Pro1072= (NM_001304815.2, NM_001379480.1, NM_001379482.1 and 1 more transcripts); c.489T>C, p.Pro163= (NM_001379484.1, NM_001379485.1, NM_015125.5).
Identifiers: ClinVar variation 3047632 (VCV003047632.2), dbSNP rs375676767, ClinGen allele CA9471733.

ClinVar aggregate classification (germline): Likely benign (0 of 4 stars; one submission).

Conditions:
CIC-related disorder. Also called: CIC-related condition.

Allele frequency attached by ClinVar (database versions not stated): TOPMed below 0.00001; gnomAD exomes 0.00002; ExAC 0.00007; ESP Exome Variant Server 0.00008.
gnomAD v4.1: 35 of 1,614,082 alleles (0.0022%); highest among the groups gnomAD compares: South Asian, 0.035%; no homozygotes.

Submission:

PreventionGenetics, part of Exact Sciences
Classification: Likely benign for CIC-related condition. Last evaluated: 2019-03-01. Review status: no assertion criteria provided. Collection method: clinical testing. Allele origin: germline.
Comment: This variant is classified as likely benign based on ACMG/AMP sequence variant interpretation guidelines (Richards et al. 2015 PMID: 25741868, with internal and published modifications).